The following is an entry in ClinVar:

ClinVar aggregate classification (germline): Uncertain significance. Review status: reviewed by expert panel (3 of 4 stars). 2 submissions from 2 submitters: Uncertain significance (1). 1 of the submissions does not count toward it. Last evaluated 2024-09-16.

Conditions:
Hereditary thrombocytopenia and hematologic cancer predisposition syndrome. Identifiers: Orphanet 71290, MedGen CN281654, MONDO:0011071.
Hereditary thrombocytopenia and hematological cancer predisposition syndrome associated with RUNX1. Also called: PLATELET DISORDER, ASPIRIN-LIKE; RUNX1 Familial Platelet Disorder with Associated Myeloid Malignancies; Familial Platelet Disorder with Propensity to Acute Myelogenous Leukemia; Familial thrombocytopenia with propensity to acute myelogenous leukemia. Identifiers: Orphanet 71290, MedGen C1832388, MeSH C563324, MONDO:0100083, OMIM 601399.

Submissions (2):

ClinGen Myeloid Malignancy Variant Curation Expert Panel
Classification: Uncertain significance for Hereditary thrombocytopenia and hematologic cancer predisposition syndrome. Last evaluated: 2024-09-16. Review status: reviewed by expert panel. Criteria: ClinGen MyeloMalig ACMG Specifications v2. Collection method: curation. Allele origin: germline. Inheritance: Autosomal dominant inheritance.
Comment: NM_001754.5(RUNX1):c.829C>T (p.Pro277Ser) s a missense variant which is absent from all population databases, including gnomAD v2.1.1 and gnomAD v3.1.2, which provide coverage of at least 20x for the RUNX1 gene at this genomic position (PM2_supporting). Additionally, this missense variant has a REVEL score <0.50 (0.447) (BP4) and affects a residue located outside of the RHD or amino acids 89-204. To our knowledge, this variant has not been reported before in patients with RUNX1-related disorders, and functional studies are not available. In summary, the clinical significance of this variant is uncertain. ACMG/AMP criteria have been applied, as specified by the Myeloid Malignancy Variant Curation Expert Panel for RUNX1: PM2_supporting, BP4.

Labcorp Genetics (formerly Invitae), Labcorp
Classification: Uncertain significance for Hereditary thrombocytopenia and hematological cancer predisposition syndrome associated with RUNX1. Last evaluated: 2021-06-18. Review status: criteria provided, single submitter. Criteria: Invitae Variant Classification Sherloc (09022015). Collection method: clinical testing. Allele origin: germline. Not counted in ClinVar's aggregate classification.
Comment: In summary, the available evidence is currently insufficient to determine the role of this variant in disease. Therefore, it has been classified as a Variant of Uncertain Significance. Algorithms developed to predict the effect of missense changes on protein structure and function are either unavailable or do not agree on the potential impact of this missense change (SIFT: "Tolerated"; PolyPhen-2: "Possibly Damaging"; Align-GVGD: "Class C0"). This variant has not been reported in the literature in individuals with RUNX1-related conditions. This variant is not present in population databases (ExAC no frequency). This sequence change replaces proline with serine at codon 277 of the RUNX1 protein (p.Pro277Ser). The proline residue is moderately conserved and there is a moderate physicochemical difference between proline and serine.

NM_001754.5(RUNX1):c.829C>T (p.Pro277Ser)

Gene: RUNX1 (RUNX family transcription factor 1; minus strand). Cytogenetic location: 21q22.12.
Variant type: single nucleotide variant.
Coding change: c.829C>T on transcript NM_001754.5 (MANE Select); coding-DNA position 829, C replaced by T.
Protein change: p.Pro277Ser; replaces proline 277 with serine.
Molecular consequence: missense variant.
Genome position (GRCh38, 1-based): chr21:34,799,439, G>A on the plus strand (C>T on the coding strand, the complement: RUNX1 is on the minus strand). VCF-style: chr21-34799439-G-A. GRCh37 (hg19) VCF-style: chr21-36171736-G-A.
Other names: NM_001754.5(RUNX1):c.829C>T; p.Pro277Ser; c.748C>T, p.Pro250Ser (NM_001001890.3); short protein forms P250S, P277S.
Identifiers: ClinVar variation 1362194 (VCV001362194.9), dbSNP rs2145909839, ClinGen allele CA410150264.